The following is an entry in ClinVar:

ClinVar aggregate classification (germline): Likely benign. Review status: criteria provided, multiple submitters, no conflicts (2 of 4 stars). 2 submissions from 2 submitters: Likely benign (2). Last evaluated 2022-01-15.

Conditions:
Hypogonadotropic hypogonadism 5 with or without anosmia (KAL5). Also called: HYPOGONADOTROPIC HYPOGONADISM 5 WITH ANOSMIA; HYPOGONADOTROPHIC HYPOGONADISM 5 WITHOUT ANOSMIA; CHD7-Related GnRH Deficiency (Kallmann Syndrome 5). Identifiers: Orphanet 478, MedGen C3552553, MONDO:0012880, OMIM 612370. Disease mechanism: loss of function.
CHARGE syndrome (CHARGE). Also called: CHARGE ASSOCIATION--COLOBOMA, HEART ANOMALY, CHOANAL ATRESIA, RETARDATION, GENITAL AND EAR ANOMALIES; Coloboma, heart anomaly, choanal atresia, retardation, genital and ear anomalies; CHARGE association; Hall-Hittner syndrome; Hittner Hirsch Kreh syndrome. Identifiers: Orphanet 138, MedGen C0265354, MONDO:0008965.

Allele frequency attached by ClinVar (database versions not stated): TOPMed below 0.00001; gnomAD 0.00002; ExAC 0.00003; gnomAD exomes 0.00003.
gnomAD v4.1: 10 of 1,613,578 alleles (0.00062%); highest among the groups gnomAD compares: East Asian, 0.02%; no homozygotes.

Submissions (2):

Labcorp Genetics (formerly Invitae), Labcorp
Classification: Likely benign for CHARGE syndrome. Last evaluated: 2022-01-15. Review status: criteria provided, single submitter. Criteria: Invitae Variant Classification Sherloc (09022015). Collection method: clinical testing. Allele origin: germline.

Illumina Laboratory Services, Illumina
Classification: Likely benign for Kallmann Syndrome 5. Last evaluated: 2018-01-13. Review status: criteria provided, single submitter. Criteria: ICSL Variant Classification Criteria 13 December 2019. Collection method: clinical testing. Allele origin: germline.
Comment: This variant was observed in the ICSL laboratory as part of a predisposition screen in an ostensibly healthy population. It had not been previously curated by ICSL or reported in the Human Gene Mutation Database (HGMD: prior to June 1st, 2018), and was therefore a candidate for classification through an automated scoring system. Utilizing variant allele frequency, disease prevalence and penetrance estimates, and inheritance mode, an automated score was calculated to assess if this variant is too frequent to cause the disease. Based on the score and internal cut-off values, a variant classified as likely benign is not then subjected to further curation. The score for this variant resulted in a classification of likely benign for this disease.

NM_017780.4(CHD7):c.208G>C (p.Asp70His)

Gene: CHD7 (chromodomain helicase DNA binding protein 7; plus strand). Cytogenetic location: 8q12.2.
Variant type: single nucleotide variant.
Coding change: c.208G>C on transcript NM_017780.4 (MANE Select); coding-DNA position 208, G replaced by C.
Protein change: p.Asp70His; replaces aspartic acid 70 with histidine.
Molecular consequence: missense variant.
Genome position (GRCh38, 1-based): chr8:60,741,640, G>C. VCF-style: chr8-60741640-G-C. GRCh37 (hg19) VCF-style: chr8-61654199-G-C.
Other names: c.208G>C, p.Asp70His (NM_001316690.1); short protein forms D70H.
Identifiers: ClinVar variation 910433 (VCV000910433.8), dbSNP rs759847780, ClinGen allele CA4759274.